The following is an entry in ClinVar:

NM_001244008.2(KIF1A):c.1684+8C>T

Gene: KIF1A (kinesin family member 1A; minus strand). Cytogenetic location: 2q37.3.
Variant type: single nucleotide variant.
Coding change: c.1684+8C>T on transcript NM_001244008.2 (MANE Select); 8 bases into the intron after coding-DNA position 1684, C replaced by T.
Molecular consequence: intron variant.
Genome position (GRCh38, 1-based): chr2:240,766,907, G>A on the plus strand (C>T on the coding strand, the complement: KIF1A is on the minus strand). VCF-style: chr2-240766907-G-A. GRCh37 (hg19) VCF-style: chr2-241706324-G-A.
Other names: c.1657+8C>T (NM_001379653.1, NM_001379650.1, NM_001379645.1 and 10 more transcripts); c.1759+8C>T (NM_001379635.1, NM_001330290.2, NM_001379646.1 and 2 more transcripts); c.1732+8C>T (NM_001379637.1, NM_001379648.1); c.1684+8C>T (NM_001320705.2, NM_001379638.1, NM_001330289.2).
Identifiers: ClinVar variation 752380 (VCV000752380.15), dbSNP rs769501237, ClinGen allele CA2208317.

ClinVar aggregate classification (germline): Conflicting classifications of pathogenicity. Review status: criteria provided, conflicting classifications (1 of 4 stars). 2 submissions from 2 submitters: Uncertain significance (1); Likely benign (1). Last evaluated 2025-12-01.

Conditions:
Neuropathy, hereditary sensory, type 2C. Also called: KIF1A-Related HSAN2 (HSAN2C); Hereditary sensory and autonomic neuropathy type IIC. Identifiers: Orphanet 970, MedGen C3280168, MONDO:0013634, OMIM 614213.
Intellectual disability, autosomal dominant 9 (NESCAVS). Also called: NESCAV SYNDROME; KIF1A-Related Neurodevelopmental Disorder. Identifiers: Orphanet 662367, MedGen C5393830, MONDO:0013656, OMIM 614255.
Hereditary spastic paraplegia 30. Identifiers: Orphanet 101010, MedGen C5235139, MONDO:0012476.

Allele frequency attached by ClinVar (database versions not stated): gnomAD exomes below 0.00001; TOPMed below 0.00001; gnomAD 0.00001; ExAC 0.00002.
gnomAD v4.1: 3 of 1,589,854 alleles (0.00019%); highest among the groups gnomAD compares: East Asian, 0.0023%; no homozygotes.

Submissions (2):

CeGaT Center for Human Genetics Tuebingen
Classification: Uncertain significance. Last evaluated: 2025-12-01. Review status: criteria provided, single submitter. Criteria: CeGaT Center For Human Genetics Tuebingen Variant Classification Criteria Version 2. Collection method: clinical testing. Allele origin: germline. Affected: yes. Observed: 1 variant allele.
Comment: KIF1A: PM2, BP4

Labcorp Genetics (formerly Invitae), Labcorp
Classification: Likely benign for Hereditary spastic paraplegia 30; Neuropathy, hereditary sensory, type 2C; Intellectual disability, autosomal dominant 9. Last evaluated: 2025-10-01. Review status: criteria provided, single submitter. Criteria: Invitae Variant Classification Sherloc (09022015). Collection method: clinical testing. Allele origin: germline.